The following is an entry in ClinVar:

NM_015331.3(NCSTN):c.1352+1G>C

Gene: NCSTN (nicastrin; plus strand). Cytogenetic location: 1q23.2.
Variant type: single nucleotide variant.
Coding change: c.1352+1G>C on transcript NM_015331.3 (MANE Select); the canonical splice donor site of the intron after coding-DNA position 1352, G replaced by C.
Molecular consequence: splice donor variant.
Genome position (GRCh38, 1-based): chr1:160,354,291, G>C. VCF-style: chr1-160354291-G-C. GRCh37 (hg19) VCF-style: chr1-160324081-G-C.
Other names: c.1292+1G>C (NM_001290184.2); c.1352+1G>C (NM_001349729.2); c.938+1G>C (NM_001290186.2).
Identifiers: ClinVar variation 2096665 (VCV002096665.4), dbSNP rs1361408137, ClinGen allele CA343281683.

ClinVar aggregate classification (germline): Likely pathogenic (1 of 4 stars; one submission).

Allele frequency attached by ClinVar (database versions not stated): gnomAD exomes below 0.00001.
gnomAD v4.1: 1 of 1,614,110 alleles (0.000062%); highest among the groups gnomAD compares: Non-Finnish European, 0.000085%; no homozygotes.

Submission:

Labcorp Genetics (formerly Invitae), Labcorp
Classification: Likely pathogenic. Last evaluated: 2022-02-11. Review status: criteria provided, single submitter. Criteria: Invitae Variant Classification Sherloc (09022015). Collection method: clinical testing. Allele origin: germline.
Comment: This sequence change affects a donor splice site in intron 11 of the NCSTN gene. It is expected to disrupt RNA splicing. Variants that disrupt the donor or acceptor splice site typically lead to a loss of protein function (PMID: 16199547), and loss-of-function variants in NCSTN are known to be pathogenic (PMID: 20929727, 21430701, 22358060). This variant is present in population databases (no rsID available, gnomAD 0.0009%). Disruption of this splice site has been observed in individual(s) with hidradenitis suppurativa (also known as acne inversa) (PMID: 21430701). Algorithms developed to predict the effect of sequence changes on RNA splicing suggest that this variant may disrupt the consensus splice site. In summary, the currently available evidence indicates that the variant is pathogenic, but additional data are needed to prove that conclusively. Therefore, this variant has been classified as Likely Pathogenic.

Literature cited by the submitters: PubMed 16199547; PubMed 20929727; PubMed 21430701; PubMed 22358060.